The following is an entry in ClinVar:

NM_002585.4(PBX1):c.974C>G (p.Ser325Trp)

Gene: PBX1 (PBX homeobox 1; plus strand). Cytogenetic location: 1q23.3.
Variant type: single nucleotide variant.
Coding change: c.974C>G on transcript NM_002585.4 (MANE Select); coding-DNA position 974, C replaced by G.
Protein change: p.Ser325Trp; replaces serine 325 with tryptophan.
Molecular consequence: missense variant.
Genome position (GRCh38, 1-based): chr1:164,812,126, C>G. VCF-style: chr1-164812126-C-G. GRCh37 (hg19) VCF-style: chr1-164781363-C-G.
Other names: c.974C>G, p.Ser325Trp (NM_001204961.2, NM_001204963.2, NM_001353131.2); c.725C>G, p.Ser242Trp (NM_001353130.1); short protein forms S242W, S325W.
Identifiers: ClinVar variation 3363551 (VCV003363551.1).

ClinVar aggregate classification (germline): Uncertain significance (1 of 4 stars; one submission).

Submission:

GeneDx
Classification: Uncertain significance. Last evaluated: 2023-10-30. Review status: criteria provided, single submitter. Criteria: GeneDx Variant Classification Process June 2021. Collection method: clinical testing. Allele origin: germline. Affected: yes.
Comment: Not observed at significant frequency in large population cohorts (gnomAD); In silico analysis supports that this missense variant has a deleterious effect on protein structure/function; Has not been previously published as pathogenic or benign to our knowledge